The following is an entry in ClinVar:

NM_004782.4(SNAP29):c.235G>T (p.Glu79Ter)

Gene: SNAP29 (synaptosome associated protein 29; plus strand). Cytogenetic location: 22q11.21.
Variant type: single nucleotide variant.
Coding change: c.235G>T on transcript NM_004782.4 (MANE Select); coding-DNA position 235, G replaced by T.
Protein change: p.Glu79Ter; replaces glutamic acid 79 with a stop codon.
Molecular consequence: nonsense.
Genome position (GRCh38, 1-based): chr22:20,859,345, G>T. VCF-style: chr22-20859345-G-T. GRCh37 (hg19) VCF-style: chr22-21213633-G-T.
Other names: short protein forms E79*.
Identifiers: ClinVar variation 2694564 (VCV002694564.3), dbSNP rs2518503103, ClinGen allele CA410773235.

ClinVar aggregate classification (germline): Pathogenic (1 of 4 stars; one submission).

Submission:

Labcorp Genetics (formerly Invitae), Labcorp
Classification: Pathogenic. Last evaluated: 2023-11-09. Review status: criteria provided, single submitter. Criteria: Invitae Variant Classification Sherloc (09022015). Collection method: clinical testing. Allele origin: germline.
Comment: This sequence change creates a premature translational stop signal (p.Glu79*) in the SNAP29 gene. It is expected to result in an absent or disrupted protein product. Loss-of-function variants in SNAP29 are known to be pathogenic (PMID: 15968592, 21073448). This variant is not present in population databases (gnomAD no frequency). This variant has not been reported in the literature in individuals affected with SNAP29-related conditions. For these reasons, this variant has been classified as Pathogenic.

Literature cited by the submitters: PubMed 15968592; PubMed 21073448.